The following is an entry in ClinVar:

NM_198253.3(TERT):c.3134C>G (p.Ser1045Cys)

Gene: TERT (telomerase reverse transcriptase; minus strand). Cytogenetic location: 5p15.33.
Variant type: single nucleotide variant.
Coding change: c.3134C>G on transcript NM_198253.3 (MANE Select); coding-DNA position 3134, C replaced by G.
Protein change: p.Ser1045Cys; replaces serine 1045 with cysteine.
Molecular consequence: missense variant. On other transcripts: non-coding transcript variant (2).
Genome position (GRCh38, 1-based): chr5:1,255,310, G>C on the plus strand (C>G on the coding strand, the complement: TERT is on the minus strand). VCF-style: chr5-1255310-G-C. GRCh37 (hg19) VCF-style: chr5-1255425-G-C.
Other names: c.3134C>G (NM_198253.2); c.2945C>G, p.Ser982Cys (NM_001193376.3); short protein forms S1045C, S982C.
Identifiers: ClinVar variation 1023768 (VCV001023768.8), dbSNP rs1747638951, ClinGen allele CA359068065.
Genomic context (GRCh38, chr5:1,255,310, plus strand): 5'-GGCACTGCTGCCACTGAGGCCAGGCACCTGCACATACCTGCGTTCTTGGCTTTCAGGATG[G>C]AGTAGCAGAGGGAGGCCGTGTCAGAGATGACGCGCAGGAAAAATGTGGGGTTCTTCCAAA-3'
Protein context (NP_937983.2, residues 1035-1055): VISDTASLCY[Ser1045Cys]ILKAKNAGMS

ClinVar aggregate classification (germline): Uncertain significance. Review status: criteria provided, multiple submitters, no conflicts (2 of 4 stars). 2 submissions from 2 submitters: Uncertain significance (2). Last evaluated 2023-03-08.

Conditions:
Idiopathic Pulmonary Fibrosis. Also called: Idiopathic fibrosing alveolitis, chronic form; idiopathic fibrosing alveolitis. Identifiers: Orphanet 2032, MedGen C1800706, MeSH D054990, MONDO:0800504.
Dyskeratosis congenita, autosomal dominant 2. Identifiers: MedGen C3151443, MONDO:0013521, OMIM 613989.
Dyskeratosis congenita. Identifiers: Orphanet 1775, MedGen C0265965, MONDO:0015780.

Submissions (2):

Ambry Genetics
Classification: Uncertain significance for Dyskeratosis congenita. Last evaluated: 2023-03-08. Review status: criteria provided, single submitter. Criteria: Ambry Variant Classification Scheme 2023. Collection method: clinical testing. Allele origin: germline.
Comment: The p.S1045C variant (also known as c.3134C>G), located in coding exon 14 of the TERT gene, results from a C to G substitution at nucleotide position 3134. The serine at codon 1045 is replaced by cysteine, an amino acid with dissimilar properties. This amino acid position is conserved. In addition, this alteration is predicted to be tolerated by in silico analysis. Since supporting evidence is limited at this time, the clinical significance of this alteration remains unclear.

Labcorp Genetics (formerly Invitae), Labcorp
Classification: Uncertain significance for Dyskeratosis congenita, autosomal dominant 2; Idiopathic Pulmonary Fibrosis. Last evaluated: 2022-03-07. Review status: criteria provided, single submitter. Criteria: Invitae Variant Classification Sherloc (09022015). Collection method: clinical testing. Allele origin: germline.
Comment: This sequence change replaces serine, which is neutral and polar, with cysteine, which is neutral and slightly polar, at codon 1045 of the TERT protein (p.Ser1045Cys). This variant is not present in population databases (gnomAD no frequency). This variant has not been reported in the literature in individuals affected with TERT-related conditions. ClinVar contains an entry for this variant (Variation ID: 1023768). Advanced modeling of protein sequence and biophysical properties (such as structural, functional, and spatial information, amino acid conservation, physicochemical variation, residue mobility, and thermodynamic stability) performed at Invitae indicates that this missense variant is not expected to disrupt TERT protein function. In summary, the available evidence is currently insufficient to determine the role of this variant in disease. Therefore, it has been classified as a Variant of Uncertain Significance.